The following is an entry in ClinVar:

NM_001492.6(GDF1):c.197_199del (p.Phe66_Arg67delinsTer)

Genes: CERS1 (ceramide synthase 1; minus strand), GDF1 (growth differentiation factor 1; minus strand). Cytogenetic location: 19p13.11.
Variant type: Deletion.
Coding change: c.197_199del on transcript NM_001492.6 (MANE Select); coding-DNA positions 197 to 199, 3 bases deleted (TTC; older notation c.197_199delTTC).
Protein change: p.Phe66_Arg67delinsTer.
Molecular consequence: nonsense. On other transcripts: 3 prime UTR variant (2).
Genome position (GRCh38, 1-based): chr19:18,870,109-18,870,111, GAA deleted on the plus strand (TTC on the coding strand, the reverse complement: GDF1 is on the minus strand). VCF-style (leftmost placement, unchanged base first): chr19-18870108-CGAA-C. GRCh37 (hg19) VCF-style: chr19-18980917-CGAA-C.
Other names: c.*466_*468del (NM_001387440.1, NM_021267.5); c.197_199del, p.Phe66_Arg67delinsTer (NM_001387438.1).
Identifiers: ClinVar variation 4879499 (VCV004879499.1).
Genomic context (GRCh38, chr19:18,870,108, plus strand): 5'-AGGGTGACCCCTGGGGACGTCCGCCGCGAGCCAGACCTGGTCTCCTGGGGGTCCCGGCGT[CGAA>C]ACAGGCGCCACATGACCGGGGGAACCGGCCGGAGCCTGGGGGCACCCTGGGGCTCATCGC-3'

ClinVar aggregate classification (germline): Likely pathogenic (1 of 4 stars; one submission).

Conditions:
Congenital heart defects, multiple types, 6 (CHTD6). Identifiers: Orphanet 860, MedGen C3151221, MONDO:0013463, OMIM 613854.

Submission:

Clinical Genomics Laboratory, Washington University in St. Louis
Classification: Likely pathogenic for Congenital heart defects, multiple types, 6. Last evaluated: 2026-04-10. Review status: criteria provided, single submitter. Criteria: ACMG Guidelines, 2015. Collection method: clinical testing. Allele origin: germline. Affected: yes.
Comment: The GDF1 c.197_199del (p.Phe66*) variant has not been reported in the medical literature to our knowledge. This variant represents a three-nucleotide deletion leading to a premature termination codon, which is predicted to result in nonsense mediated decay. This variant is only observed on 2/1,568,315 total alleles in the general population (gnomAD v.4.1.0), indicating it is not a common variant. Based on available information, and based on ACMG/AMP guidelines for variant interpretation (Richards S et al., PMID: 25741868), this variant is classified as likely pathogenic.